The following is an entry in ClinVar:

NM_002292.4(LAMB2):c.1222C>A (p.Arg408Ser)

Gene: LAMB2 (laminin subunit beta 2; minus strand). Cytogenetic location: 3p21.31.
Variant type: single nucleotide variant.
Coding change: c.1222C>A on transcript NM_002292.4 (MANE Select); coding-DNA position 1222, C replaced by A.
Protein change: p.Arg408Ser; replaces arginine 408 with serine.
Molecular consequence: missense variant.
Genome position (GRCh38, 1-based): chr3:49,130,234, G>T on the plus strand (C>A on the coding strand, the complement: LAMB2 is on the minus strand). VCF-style: chr3-49130234-G-T. GRCh37 (hg19) VCF-style: chr3-49167667-G-T.
Other names: short protein forms R408S.
Identifiers: ClinVar variation 1462967 (VCV001462967.6), dbSNP rs759728774, ClinGen allele CA352742742.

ClinVar aggregate classification (germline): Uncertain significance (1 of 4 stars; one submission).

Conditions:
Pierson syndrome. Also called: MICROCORIA-CONGENITAL NEPHROTIC SYNDROME. Identifiers: Orphanet 2670, MedGen C1836876, MONDO:0012184, OMIM 609049.
LAMB2-related infantile-onset nephrotic syndrome. Also called: NEPHROTIC SYNDROME, TYPE 5, WITHOUT OCULAR ABNORMALITIES; NEPHROTIC SYNDROME, TYPE 5, WITH OCULAR ABNORMALITIES; Nephrotic Syndrome, type 5. Identifiers: Orphanet 306507, MedGen C3280113, MONDO:0013621, OMIM 614199.

gnomAD v4.1: 1 of 1,614,188 alleles (0.000062%); highest among the groups gnomAD compares: Non-Finnish European, 0.000085%; no homozygotes.

Submission:

Labcorp Genetics (formerly Invitae), Labcorp
Classification: Uncertain significance for LAMB2-related infantile-onset nephrotic syndrome; Pierson syndrome. Last evaluated: 2022-06-27. Review status: criteria provided, single submitter. Criteria: Invitae Variant Classification Sherloc (09022015). Collection method: clinical testing. Allele origin: germline.
Comment: In summary, the available evidence is currently insufficient to determine the role of this variant in disease. Therefore, it has been classified as a Variant of Uncertain Significance. Algorithms developed to predict the effect of sequence changes on RNA splicing suggest that this variant may create or strengthen a splice site. Algorithms developed to predict the effect of missense changes on protein structure and function (SIFT, PolyPhen-2, Align-GVGD) all suggest that this variant is likely to be tolerated. This variant has not been reported in the literature in individuals affected with LAMB2-related conditions. This variant is not present in population databases (gnomAD no frequency). This sequence change replaces arginine, which is basic and polar, with serine, which is neutral and polar, at codon 408 of the LAMB2 protein (p.Arg408Ser).